The following is an entry in ClinVar:

NM_020638.3(FGF23):c.527G>C (p.Arg176Pro)

Gene: FGF23 (fibroblast growth factor 23; minus strand). Cytogenetic location: 12p13.32.
Variant type: single nucleotide variant.
Coding change: c.527G>C on transcript NM_020638.3 (MANE Select); coding-DNA position 527, G replaced by C.
Protein change: p.Arg176Pro; replaces arginine 176 with proline.
Molecular consequence: missense variant.
Genome position (GRCh38, 1-based): chr12:4,370,572, C>G on the plus strand (G>C on the coding strand, the complement: FGF23 is on the minus strand). VCF-style: chr12-4370572-C-G. GRCh37 (hg19) VCF-style: chr12-4479738-C-G.
Other names: short protein forms R176P.
Identifiers: ClinVar variation 1691564 (VCV001691564.5), dbSNP rs104894347, ClinGen allele CA383416113.
Genomic context (GRCh38, chr12:4,370,572, plus strand): 5'-CGGGGCTTCAGCACGTTCAGGGGGTCCCGCTCCGAGTCGTCCTCGGCGCTCCGGGTGTGC[C>G]GCCGTGGTATGGGGGTGTTGAAGTGAATTAGGGGGATCTCGTTCCTCCGGGACAGGAACT-3'
Protein context (NP_065689.1, residues 166-186): LIHFNTPIPR[Arg176Pro]HTRSAEDDSE

ClinVar aggregate classification (germline): Uncertain significance (1 of 4 stars; one submission).

Submission:

Centre of Medical Genetics, University Hospital Muenster
Classification: Uncertain significance. Last evaluated: 2022-05-24. Review status: criteria provided, single submitter. Criteria: ACMG Guidelines, 2015. Collection method: clinical testing. Allele origin: unknown. Affected: yes. Observed: 1 variant allele, 1 heterozygote.
Comment: ACMG categories: PM2,PM5,PP3,BP1